The following is an entry in ClinVar:

ClinVar aggregate classification (germline): Conflicting classifications of pathogenicity. Review status: criteria provided, conflicting classifications (1 of 4 stars). 6 submissions from 6 submitters: Uncertain significance (5); Likely benign (1). Last evaluated 2026-01-19.

Conditions:
PLEC-related disorder. Also called: PLEC-related disorders; PLEC-related condition.
Epidermolysis bullosa simplex with nail dystrophy (EBS5D). Identifiers: MedGen C4225309, MONDO:0014661, OMIM 616487.
Autosomal recessive limb-girdle muscular dystrophy type 2Q (LGMDR17). Also called: MUSCULAR DYSTROPHY, LIMB-GIRDLE, AUTOSOMAL RECESSIVE 17. Identifiers: Orphanet 254361, MedGen C3150989, MONDO:0013390, OMIM 613723.
Epidermolysis bullosa simplex 5C, with pyloric atresia (EBS5C). Also called: PLEC-Related Epidermolysis Bullosa with Pyloric Atresia; Epidermolysis bullosa simplex with pyloric atresia; PLEC1-Related Epidermolysis Bullosa with Pyloric Atresia. Identifiers: Orphanet 158684, MedGen C2677349, MONDO:0012807, OMIM 612138.
Epidermolysis bullosa simplex 5B, with muscular dystrophy (EBS5B). Also called: EPIDERMOLYSIS BULLOSA SIMPLEX AND LIMB-GIRDLE MUSCULAR DYSTROPHY; Epidermolysis bullosa simplex with muscular dystrophy. Identifiers: Orphanet 257, MedGen C2931072, MONDO:0009181, OMIM 226670.
Epidermolysis bullosa simplex, Ogna type (EBS5A). Also called: Pidermolysis bullosa simplex 5A, Ogna type; EPIDERMOLYSIS BULLOSA SIMPLEX 5A, OGNA TYPE. Identifiers: Orphanet 79401, MedGen C0432317, MONDO:0007555, OMIM 131950.

Allele frequency attached by ClinVar (database versions not stated): TOPMed 0.00015; gnomAD 0.00019 and 0.00020; 1000 Genomes Project 0.00020; ExAC 0.00026; 1000 Genomes Project 30x 0.00031.
gnomAD v4.1: 218 of 1,612,262 alleles (0.014%); highest among the groups gnomAD compares: Middle Eastern, 0.016%; 1 homozygote.

Submissions (6):

Labcorp Genetics (formerly Invitae), Labcorp
Classification: Uncertain significance for Autosomal recessive limb-girdle muscular dystrophy type 2Q; Epidermolysis bullosa simplex, Ogna type; Epidermolysis bullosa simplex with nail dystrophy; Epidermolysis bullosa simplex 5C, with pyloric atresia; Epidermolysis bullosa simplex 5B, with muscular dystrophy. Last evaluated: 2026-01-19. Review status: criteria provided, single submitter. Criteria: Invitae Variant Classification Sherloc (09022015). Collection method: clinical testing. Allele origin: germline.
Comment: This sequence change replaces valine, which is neutral and non-polar, with methionine, which is neutral and non-polar, at codon 3967 of the PLEC protein (p.Val3967Met). This variant is present in population databases (rs534537112, gnomAD 0.1%), including at least one homozygous and/or hemizygous individual. This variant has not been reported in the literature in individuals affected with PLEC-related conditions. ClinVar contains an entry for this variant (Variation ID: 282285). Invitae Evidence Modeling of protein sequence and biophysical properties (such as structural, functional, and spatial information, amino acid conservation, physicochemical variation, residue mobility, and thermodynamic stability) has been performed for this missense variant. However, the output from this modeling did not meet the statistical confidence thresholds required to predict the impact of this variant on PLEC protein function. In summary, the available evidence is currently insufficient to determine the role of this variant in disease. Therefore, it has been classified as a Variant of Uncertain Significance.

PreventionGenetics, part of Exact Sciences
Classification: Uncertain significance for PLEC-related condition. Last evaluated: 2025-02-25. Review status: criteria provided, single submitter. Criteria: ACMG Guidelines, 2015. Collection method: clinical testing. Allele origin: germline.
Comment: The PLEC c.11899G>A variant is predicted to result in the amino acid substitution p.Val3967Met. To our knowledge, this variant has not been reported in the literature. This variant is reported in 0.12% of alleles in individuals of Ashkenazi Jewish descent in gnomAD, which is likely too common for an undocumented disease-causing variant. Although we suspect that this variant may be benign, at this time, the clinical significance of this variant is uncertain due to the absence of conclusive functional and genetic evidence.

Blueprint Genetics
Classification: Likely benign. Last evaluated: 2024-03-21. Review status: criteria provided, single submitter. Criteria: ACMG Guidelines, 2015. Collection method: clinical testing. Allele origin: germline.

Revvity Omics, Revvity
Classification: Uncertain significance. Last evaluated: 2019-06-12. Review status: criteria provided, single submitter. Criteria: ACMG Guidelines, 2015. Collection method: clinical testing. Allele origin: germline.

Athena Diagnostics
Classification: Uncertain significance. Last evaluated: 2018-07-16. Review status: criteria provided, single submitter. Criteria: Athena Diagnostics Criteria. Collection method: clinical testing. Allele origin: germline.

Eurofins Ntd Llc (ga)
Classification: Uncertain significance. Last evaluated: 2015-08-06. Review status: criteria provided, single submitter. Criteria: EGL Classification Definitions 2015. Collection method: clinical testing. Allele origin: germline. Observed: 1 variant allele, 1 heterozygote.

NM_201384.3(PLEC):c.11818G>A (p.Val3940Met)

Gene: PLEC (plectin; minus strand). Cytogenetic location: 8q24.3.
Variant type: single nucleotide variant.
Coding change: c.11818G>A on transcript NM_201384.3 (MANE Select); coding-DNA position 11818, G replaced by A.
Protein change: p.Val3940Met; replaces valine 3940 with methionine.
Molecular consequence: missense variant.
Genome position (GRCh38, 1-based): chr8:143,918,003, C>T on the plus strand (G>A on the coding strand, the complement: PLEC is on the minus strand). VCF-style: chr8-143918003-C-T. GRCh37 (hg19) VCF-style: chr8-144992171-C-T.
Other names: c.11899G>A, p.Val3967Met (NM_000445.5); c.11776G>A, p.Val3926Met (NM_201378.4); c.11752G>A, p.Val3918Met (NM_201379.3); c.12229G>A, p.Val4077Met (NM_201380.4); c.11722G>A, p.Val3908Met (NM_201381.3); c.11818G>A, p.Val3940Met (NM_201382.4); c.11830G>A, p.Val3944Met (NM_201383.3); short protein forms V3918M, V3908M, V3944M, V3940M, V3967M, V3926M, V4077M.
Identifiers: ClinVar variation 282285 (VCV000282285.19), dbSNP rs534537112, ClinGen allele CA4924241.